The following is an entry in ClinVar:

ClinVar aggregate classification (germline): Uncertain significance (0 of 4 stars; one submission).

Conditions:
RPGRIP1L-related disorder. Also called: RPGRIP1L-related condition; RPGRIP1L-related disorders. Identifiers: MedGen CN239416.

Submission:

PreventionGenetics, part of Exact Sciences
Classification: Uncertain significance for RPGRIP1L-related condition. Last evaluated: 2024-06-18. Review status: no assertion criteria provided. Collection method: clinical testing. Allele origin: germline.
Comment: The RPGRIP1L c.2264A>T variant is predicted to result in the amino acid substitution p.Tyr755Phe. To our knowledge, this variant has not been reported in the literature or in a large population database, indicating this variant is rare. At this time, the clinical significance of this variant is uncertain due to the absence of conclusive functional and genetic evidence.

NM_015272.5(RPGRIP1L):c.2264A>T (p.Tyr755Phe)

Gene: RPGRIP1L (RPGRIP1 like; minus strand). Cytogenetic location: 16q12.2.
Variant type: single nucleotide variant.
Coding change: c.2264A>T on transcript NM_015272.5 (MANE Select); coding-DNA position 2264, A replaced by T.
Protein change: p.Tyr755Phe; replaces tyrosine 755 with phenylalanine.
Molecular consequence: missense variant.
Genome position (GRCh38, 1-based): chr16:53,649,004, T>A on the plus strand (A>T on the coding strand, the complement: RPGRIP1L is on the minus strand). VCF-style: chr16-53649004-T-A. GRCh37 (hg19) VCF-style: chr16-53682916-T-A.
Other names: c.2264A>T, p.Tyr755Phe (NM_001127897.4, NM_001308334.3, NM_001330538.2); short protein forms Y755F.
Identifiers: ClinVar variation 3346393 (VCV003346393.1).